The following is an entry in ClinVar:

ClinVar aggregate classification (germline): Pathogenic/Likely pathogenic. Review status: criteria provided, multiple submitters, no conflicts (2 of 4 stars). 10 submissions from 10 submitters: Pathogenic (6); Likely pathogenic (2). 2 of the submissions do not count toward it. Last evaluated 2026-03-01.

Conditions:
CBS-related disorder. Also called: CBS-related condition.
Homocystinuria. Identifiers: MedGen C0019880, MONDO:0004737, HP:0002156.
Classic homocystinuria. Also called: Homocystinuria due to Cystathionine Beta-Synthase Deficiency; Homocystinuria due to CBS deficiency; Cystathionine beta-synthase deficiency; CBS deficiency; HOMOCYSTINURIA WITH OR WITHOUT RESPONSE TO PYRIDOXINE. Identifiers: Orphanet 394, MedGen C0751202, MONDO:0009352, OMIM 236200.
HYPERHOMOCYSTEINEMIA, THROMBOTIC, CBS-RELATED. Identifiers: MedGen C3150344, OMIM 236200.

Allele frequency attached by ClinVar (database versions not stated): TOPMed below 0.00001; ExAC 0.00001; gnomAD exomes 0.00001.

Submissions (10):

CeGaT Center for Human Genetics Tuebingen
Classification: Pathogenic. Last evaluated: 2026-03-01. Review status: criteria provided, single submitter. Criteria: CeGaT Center For Human Genetics Tuebingen Variant Classification Criteria Version 2. Collection method: clinical testing. Allele origin: germline. Affected: yes. Observed: 8 variant alleles.
Comment: CBS: PM3:Very Strong, PVS1, PM2

Labcorp Genetics (formerly Invitae), Labcorp
Classification: Pathogenic for HYPERHOMOCYSTEINEMIA, THROMBOTIC, CBS-RELATED. Last evaluated: 2026-01-09. Review status: criteria provided, single submitter. Criteria: Invitae Variant Classification Sherloc (09022015). Collection method: clinical testing. Allele origin: germline.
Comment: This sequence change affects a donor splice site in intron 9 of the CBS gene. It is expected to disrupt RNA splicing. Variants that disrupt the donor or acceptor splice site typically lead to a loss of protein function (PMID: 16199547), and loss-of-function variants in CBS are known to be pathogenic (PMID: 10338090, 12124992). This variant is present in population databases (rs763290176, gnomAD 0.002%). Disruption of this splice site has been observed in individuals with homocystinuria (PMID: 15365998, 29352562). This variant is also known as IVS7+1G>A, 8297G>A. ClinVar contains an entry for this variant (Variation ID: 556952). Algorithms developed to predict the effect of sequence changes on RNA splicing suggest that this variant may disrupt the consensus splice site. For these reasons, this variant has been classified as Pathogenic.

GeneDx
Classification: Pathogenic. Last evaluated: 2025-06-01. Review status: criteria provided, single submitter. Criteria: GeneDx Variant Classification Process June 2021. Collection method: clinical testing. Allele origin: germline.
Comment: Canonical splice site variant predicted to result in a null allele in a gene for which loss of function is a known mechanism of disease; Not observed at significant frequency in large population cohorts (gnomAD); This variant is associated with the following publications: (PMID: 25525159, 15365998, 10338090, 16479318, 39723124, 37571294, 38563533)

Baylor Genetics
Classification: Pathogenic for Classic homocystinuria. Last evaluated: 2024-01-21. Review status: criteria provided, single submitter. Criteria: ACMG Guidelines, 2015. Collection method: clinical testing. Allele origin: unknown.

Women's Health and Genetics/Laboratory Corporation of America, LabCorp
Classification: Pathogenic for Homocystinuria. Last evaluated: 2023-03-03. Review status: criteria provided, single submitter. Criteria: LabCorp Variant Classification Summary - May 2015. Collection method: clinical testing. Allele origin: germline.
Comment: Variant summary: CBS c.828+1G>A is located in a canonical splice-site and is predicted to affect mRNA splicing resulting in a significantly altered protein due to either exon skipping, shortening, or inclusion of intronic material. Several computational tools predict a significant impact on normal splicing: Four predict the variant abolishes a 5' splicing donor site. However, these predictions have yet to be confirmed by functional studies. The variant allele was found at a frequency of 8.1e-06 in 247508 control chromosomes. c.828+1G>A has been reported in the literature in multiple individuals affected with Homocystinuria, including 1 homozygote (example: Poloni_2017), individuals carrying an additional pathogenic variant (examples: Kraus_1999, Linnebank_2005, Poloni_2017, VanHove_2019) of which 3 reported to segregate in families (examples: Kraus_1999, Linnebank_2005, Poloni_2017). These data indicate that the variant is very likely to be associated with disease. To our knowledge, no experimental evidence demonstrating an impact on protein function has been reported. Eight ClinVar submitters have submitted clinical-significance assessments for this variant to ClinVar after 2014 without evidence for independent evaluation. All laboratories classified the variant as pathogenic (n=7) or likely pathogenic (n=1). Based on the evidence outlined above, the variant was classified as pathogenic.

Blueprint Genetics
Classification: Likely pathogenic for CBS-related disorders. Last evaluated: 2022-10-25. Review status: criteria provided, single submitter. Criteria: ACMG Guidelines, 2015. Collection method: clinical testing. Allele origin: germline. Affected: yes. Observed: 2 variant alleles.

Center for Genomics, Ann and Robert H. Lurie Children's Hospital of Chicago
Classification: Likely pathogenic for Classic homocystinuria. Last evaluated: 2021-11-22. Review status: criteria provided, single submitter. Criteria: ACMG Guidelines, 2015. Collection method: clinical testing. Allele origin: germline.
Comment: CBS NM_000071.2 exon 9 c.828+1G>A: This variant has been reported in the literature as a compound heterozygote in 1 individual with homocystinuria (Kraus 1999 PMID:10338090). This variant is present in 2/110146 European alleles in the Genome Aggregation Database. Please note, disease causing variants may be present in control databases at low frequencies, reflective of the general population and/or variable expressivity. Evolutionary conservation and computational predictive tools for this variant are limited or unavailable. Of note, this variant alters the consensus splice sequence (+/- 1,2) which is predicted to result in an absent or abnormal protein. Loss of function variants have been reported in association with disease for this gene (Kraus 1999 PMID:10338090). In summary, data on this variant is highly suspicious for disease, but requires further evidence for pathogenicity. Therefore, this variant is classified as likely pathogenic.

Centre for Mendelian Genomics, University Medical Centre Ljubljana
Classification: Pathogenic for Classic homocystinuria. Last evaluated: 2019-08-29. Review status: criteria provided, single submitter. Criteria: ACMG Guidelines, 2015. Collection method: clinical testing. Allele origin: unknown. Affected: yes.
Comment: This variant was classified as: Pathogenic. The following ACMG criteria were applied in classifying this variant: PVS1,PM2,PP5.

Natera, Inc.
Classification: Pathogenic for Homocystinuria due to cystathionine beta-synthase deficiency. Last evaluated: 2020-09-16. Review status: no assertion criteria provided. Collection method: clinical testing. Allele origin: germline. Not counted in ClinVar's aggregate classification.

Counsyl
Classification: Pathogenic for Classic homocystinuria. Last evaluated: 2018-02-27. Review status: no assertion criteria provided. Collection method: clinical testing. Allele origin: unknown. Not counted in ClinVar's aggregate classification.

Literature cited by the submitters: PubMed 16199547 (cited by Labcorp Genetics (formerly Invitae), Labcorp); PubMed 10338090 (cited by Labcorp Genetics (formerly Invitae), Labcorp and Women's Health and Genetics/Laboratory Corporation of America, LabCorp); PubMed 12124992 (cited by Labcorp Genetics (formerly Invitae), Labcorp); PubMed 15365998 (cited by 3 submitters); PubMed 29352562 (cited by Labcorp Genetics (formerly Invitae), Labcorp and Women's Health and Genetics/Laboratory Corporation of America, LabCorp); PubMed 16479318 (cited by Women's Health and Genetics/Laboratory Corporation of America, LabCorp and Counsyl); PubMed 11774777 (cited by Women's Health and Genetics/Laboratory Corporation of America, LabCorp); PubMed 30873612 (cited by Women's Health and Genetics/Laboratory Corporation of America, LabCorp).

NM_000071.3(CBS):c.828+1G>A

Gene: CBS (cystathionine beta-synthase; minus strand). Cytogenetic location: 21q22.3.
Variant type: single nucleotide variant.
Coding change: c.828+1G>A on transcript NM_000071.3 (MANE Select); the canonical splice donor site of the intron after coding-DNA position 828, G replaced by A.
Molecular consequence: splice donor variant.
Genome position (GRCh38, 1-based): chr21:43,063,899, C>T on the plus strand (G>A on the coding strand, the complement: CBS is on the minus strand). VCF-style: chr21-43063899-C-T. GRCh37 (hg19) VCF-style: chr21-44484009-C-T.
Other names: c.828+1G>A (NM_001320298.2, NM_001178009.3, NM_001178008.3); c.513+1G>A (NM_001321072.1).
Identifiers: ClinVar variation 556952 (VCV000556952.57), dbSNP rs763290176, ClinGen allele CA321094209.